The following is an entry in ClinVar:

NM_000038.6(APC):c.729+1829G>C

Gene: APC (APC regulator of WNT signaling pathway; plus strand). Cytogenetic location: 5q22.2.
Variant type: single nucleotide variant.
Coding change: c.729+1829G>C on transcript NM_000038.6 (MANE Select); 1829 bases into the intron after coding-DNA position 729, G replaced by C.
Molecular consequence: intron variant.
Genome position (GRCh38, 1-based): chr5:112,794,358, G>C. VCF-style: chr5-112794358-G-C. GRCh37 (hg19) VCF-style: chr5-112130055-G-C.
Other names: c.729+1829G>C (NM_001354895.2, NM_001127510.3, NM_001354896.2 and 1 more transcripts); c.759+1829G>C (NM_001354897.2, NM_001354902.2); c.676-6921G>C (NM_001127511.3); c.654+1829G>C (NM_001354898.2, NM_001354904.2); c.-307+1829G>C (NM_001354906.2); c.646-6921G>C (NM_001354899.2); c.552+1829G>C (NM_001354900.2, NM_001354901.2, NM_001354905.2).
Identifiers: ClinVar variation 82488 (VCV000082488.2), dbSNP rs74622593, ClinGen allele CA013049.

ClinVar aggregate classification (germline): other (0 of 4 stars; one submission).

Conditions:
Familial colorectal cancer. Identifiers: MedGen CN280943, MONDO:0023113. Disease mechanism: loss of function.

Submission:

Systems Biology Platform Zhejiang California International NanoSystems Institute
Classification: other for Familial colorectal cancer. Review status: no assertion criteria provided. Collection method: not provided. Allele origin: unknown.
ClinVar note: Converted during submission from cancer to other.